The following is an entry in ClinVar:

ClinVar aggregate classification (germline): Uncertain significance. Review status: criteria provided, multiple submitters, no conflicts (2 of 4 stars). 5 submissions from 5 submitters: Uncertain significance (5). Last evaluated 2025-07-02.

Conditions:
Familial cancer of breast. Also called: BREAST CANCER, FAMILIAL; Hereditary breast cancer; hereditary breast carcinoma. Identifiers: Orphanet 227535, MedGen C0346153, MONDO:0016419, OMIM 114480. Disease mechanism: loss of function.
Hereditary cancer-predisposing syndrome. Also called: Neoplastic Syndromes, Hereditary; Tumor predisposition; Hereditary neoplastic syndrome; Hereditary Cancer Syndrome. Identifiers: Orphanet 140162, MedGen C0027672, MeSH D009386, MONDO:0015356.

Allele frequency attached by ClinVar (database versions not stated): gnomAD 0.00001; TOPMed 0.00001.
gnomAD v4.1: 1 of 1,614,044 alleles (0.000062%); highest among the groups gnomAD compares: African/African-American, 0.0013%; no homozygotes.

Submissions (5):

Labcorp Genetics (formerly Invitae), Labcorp
Classification: Uncertain significance for Familial cancer of breast. Last evaluated: 2025-07-02. Review status: criteria provided, single submitter. Criteria: Invitae Variant Classification Sherloc (09022015). Collection method: clinical testing. Allele origin: germline.
Comment: This sequence change replaces threonine, which is neutral and polar, with lysine, which is basic and polar, at codon 235 of the PALB2 protein (p.Thr235Lys). This variant is not present in population databases (gnomAD no frequency). This variant has not been reported in the literature in individuals affected with PALB2-related conditions. ClinVar contains an entry for this variant (Variation ID: 566781). An algorithm developed to predict the effect of missense changes on protein structure and function (PolyPhen-2) suggests that this variant is likely to be tolerated. In summary, the available evidence is currently insufficient to determine the role of this variant in disease. Therefore, it has been classified as a Variant of Uncertain Significance.

Ambry Genetics
Classification: Uncertain significance for Hereditary cancer-predisposing syndrome. Last evaluated: 2024-11-11. Review status: criteria provided, single submitter. Criteria: Ambry Variant Classification Scheme 2023. Collection method: clinical testing. Allele origin: germline.
Comment: The p.T235K variant (also known as c.704C>A), located in coding exon 4 of the PALB2 gene, results from a C to A substitution at nucleotide position 704. The threonine at codon 235 is replaced by lysine, an amino acid with similar properties. This amino acid position is not well conserved in available vertebrate species. In addition, this alteration is predicted to be tolerated by in silico analysis. Since supporting evidence is limited at this time, the clinical significance of this alteration remains unclear.

GeneDx
Classification: Uncertain significance. Last evaluated: 2024-03-05. Review status: criteria provided, single submitter. Criteria: GeneDx Variant Classification Process June 2021. Collection method: clinical testing. Allele origin: germline. Affected: yes.
Comment: Not observed at significant frequency in large population cohorts (gnomAD); In silico analysis supports that this missense variant does not alter protein structure/function; Has not been previously published as pathogenic or benign to our knowledge; This variant is associated with the following publications: (PMID: 19369211)

Color Diagnostics, LLC DBA Color Health
Classification: Uncertain significance for Hereditary cancer-predisposing syndrome. Last evaluated: 2023-12-04. Review status: criteria provided, single submitter. Criteria: ACMG Guidelines, 2015. Collection method: clinical testing. Allele origin: germline.
Comment: This missense variant replaces threonine with lysine at codon 235 of the PALB2 protein. Computational prediction suggests that this variant may not impact protein structure and function (internally defined REVEL score threshold <= 0.5, PMID: 27666373). To our knowledge, functional studies have not been reported for this variant. This variant has not been reported in individuals affected with PALB2-related disorders in the literature. This variant has not been identified in the general population by the Genome Aggregation Database (gnomAD). The available evidence is insufficient to determine the role of this variant in disease conclusively. Therefore, this variant is classified as a Variant of Uncertain Significance.

Women's Health and Genetics/Laboratory Corporation of America, LabCorp
Classification: Uncertain significance. Last evaluated: 2022-04-29. Review status: criteria provided, single submitter. Criteria: LabCorp Variant Classification Summary - May 2015. Collection method: clinical testing. Allele origin: germline.

NM_024675.4(PALB2):c.704C>A (p.Thr235Lys)

Gene: PALB2 (partner and localizer of BRCA2; minus strand). Cytogenetic location: 16p12.2.
Variant type: single nucleotide variant.
Coding change: c.704C>A on transcript NM_024675.4 (MANE Select); coding-DNA position 704, C replaced by A.
Protein change: p.Thr235Lys; replaces threonine 235 with lysine.
Molecular consequence: missense variant.
Genome position (GRCh38, 1-based): chr16:23,635,842, G>T on the plus strand (C>A on the coding strand, the complement: PALB2 is on the minus strand). VCF-style: chr16-23635842-G-T. GRCh37 (hg19) VCF-style: chr16-23647163-G-T.
Other names: short protein forms T235K.
Identifiers: ClinVar variation 566781 (VCV000566781.17), dbSNP rs1385914265, ClinGen allele CA395136364.